The following is an entry in ClinVar:

NM_000059.4(BRCA2):c.7150C>A (p.Gln2384Lys)

Gene: BRCA2 (BRCA2 DNA repair associated; plus strand). Cytogenetic location: 13q13.1.
Variant type: single nucleotide variant.
Coding change: c.7150C>A on transcript NM_000059.4 (MANE Select); coding-DNA position 7150, C replaced by A.
Protein change: p.Gln2384Lys; replaces glutamine 2384 with lysine.
Molecular consequence: missense variant.
Genome position (GRCh38, 1-based): chr13:32,355,003, C>A. VCF-style: chr13-32355003-C-A. GRCh37 (hg19) VCF-style: chr13-32929140-C-A.
Other names: p.Q2384K:CAA>AAA; 7378C>A; NP_000050.3:p.Gln2384Lys; short protein forms Q2384K.
Identifiers: ClinVar variation 38086 (VCV000038086.93), dbSNP rs55977008, ClinGen allele CA024904.

ClinVar aggregate classification (germline): Benign. Review status: reviewed by expert panel (3 of 4 stars). 36 submissions from 34 submitters: Benign (1). 35 of the submissions do not count toward it. Last evaluated 2015-08-10.

Conditions:
Breast and/or ovarian cancer. Identifiers: MedGen CN221562.
Hereditary cancer-predisposing syndrome. Also called: Neoplastic Syndromes, Hereditary; Hereditary neoplastic syndrome; Hereditary Cancer Syndrome; Tumor predisposition. Identifiers: Orphanet 140162, MedGen C0027672, MeSH D009386, MONDO:0015356.
Breast neoplasm. Also called: Breast Neoplasms; Neoplasm of breast; Breast tumor; Neoplasm of the breast. Identifiers: MedGen C1458155, MeSH D001943, MONDO:0021100, HP:0100013. Disease mechanism: gain of function.
Hereditary breast ovarian cancer syndrome. Also called: Hereditary breast and ovarian cancer syndrome (HBOC); Breast and ovarian cancer; BRCA1- and BRCA2-Associated Hereditary Breast and Ovarian Cancer; Hereditary breast and ovarian cancer syndrome; Hereditary breast and ovarian cancer; Hereditary breast and/or ovarian cancer syndrome. Identifiers: Orphanet 145, MedGen C0677776, MeSH D061325, MONDO:0003582. Disease mechanism: loss of function.
Fanconi anemia complementation group D1. Also called: BRCA2-Related Fanconi Anemia. Identifiers: Orphanet 319462, MedGen C1838457, MONDO:0011584, OMIM 605724.
Breast-ovarian cancer, familial, susceptibility to, 2 (BROVCA2). Also called: BRCA2 Hereditary Breast and Ovarian Cancer. Identifiers: Orphanet 145, MedGen C2675520, MONDO:0012933, OMIM 612555. Disease mechanism: loss of function.
Familial cancer of breast. Also called: Hereditary breast cancer; hereditary breast carcinoma; BREAST CANCER, FAMILIAL. Identifiers: Orphanet 227535, MedGen C0346153, MONDO:0016419, OMIM 114480. Disease mechanism: loss of function.
Malignant tumor of breast. Also called: Malignant breast neoplasm; Cancer breast. Identifiers: MedGen C0006142, MONDO:0007254. Disease mechanism: loss of function.

Allele frequency attached by ClinVar (database versions not stated): gnomAD exomes 0.00015; gnomAD 0.00203 and 0.00185; ExAC 0.00043; 1000 Genomes Project 0.00140; 1000 Genomes Project 30x 0.00172; ESP Exome Variant Server 0.00185; TOPMed 0.00230.
gnomAD v4.1: 513 of 1,613,760 alleles (0.032%); highest among the groups gnomAD compares: African/African-American, 0.6%; no homozygotes.

Submissions 1 to 19 of 36:

Evidence-based Network for the Interpretation of Germline Mutant Alleles (ENIGMA)
Classification: Benign for Breast-ovarian cancer, familial 2. Last evaluated: 2015-08-10. Review status: reviewed by expert panel. Criteria: ENIGMA BRCA1/2 Classification Criteria (2015). Collection method: curation. Allele origin: germline.
Comment: IARC class based on posterior probability from multifactorial likelihood analysis, thresholds for class as per Plon et al. 2008 (PMID: 18951446). Class 1 based on posterior probability = 0.000000334

CeGaT Center for Human Genetics Tuebingen
Classification: Likely benign. Last evaluated: 2026-09-01. Review status: criteria provided, single submitter. Criteria: CeGaT Center For Human Genetics Tuebingen Variant Classification Criteria Version 2. Collection method: clinical testing. Allele origin: germline. Affected: yes. Observed: 1 variant allele. Not counted in ClinVar's aggregate classification.
Comment: BRCA2: BP4, BS1

Labcorp Genetics (formerly Invitae), Labcorp
Classification: Benign for Hereditary breast ovarian cancer syndrome. Last evaluated: 2026-02-04. Review status: criteria provided, single submitter. Criteria: Invitae Variant Classification Sherloc (09022015). Collection method: clinical testing. Allele origin: germline. Not counted in ClinVar's aggregate classification.

Dasa
Classification: Benign for Breast-ovarian cancer, familial, susceptibility to, 2. Last evaluated: 2025-11-12. Review status: criteria provided, single submitter. Criteria: DASA Assertion Criteria. Collection method: clinical testing. Allele origin: germline. Not counted in ClinVar's aggregate classification.
Comment: NM_000059.4(BRCA2):c.7150C>A (p.Gln2384Lys) is a missense variant that results in the substitution of glutamine with lysine. Population frequency is inconsistent with a disease-causing role for this variant. Computational prediction algorithms are consistent with a benign effect. Therefore, based on the currently available evidence, this variant is classified as benign.

ARUP Laboratories, Molecular Genetics and Genomics, ARUP Laboratories
Classification: Benign. Last evaluated: 2025-04-17. Review status: criteria provided, single submitter. Criteria: ARUP Molecular Germline Variant Investigation Process 2024. Collection method: clinical testing. Allele origin: germline. Not counted in ClinVar's aggregate classification.

Center for Genomic Medicine, Rigshospitalet, Copenhagen University Hospital
Classification: Benign. Last evaluated: 2025-03-04. Review status: criteria provided, single submitter. Criteria: ACMG Guidelines, 2015. Collection method: clinical testing. Allele origin: germline. Not counted in ClinVar's aggregate classification.

KCCC/NGS Laboratory, Kuwait Cancer Control Center
Classification: Benign for Familial cancer of breast. Last evaluated: 2025-02-01. Review status: criteria provided, single submitter. Criteria: ACMG Guidelines, 2015. Collection method: clinical testing. Allele origin: germline. Affected: no. Not counted in ClinVar's aggregate classification.

Blueprint Genetics
Classification: Likely benign. Last evaluated: 2024-10-09. Review status: criteria provided, single submitter. Criteria: ACMG Guidelines, 2015. Collection method: clinical testing. Allele origin: germline. Not counted in ClinVar's aggregate classification.

KCCC/NGS Laboratory, Kuwait Cancer Control Center
Classification: Benign for Breast-ovarian cancer, familial, susceptibility to, 2. Last evaluated: 2023-07-07. Review status: criteria provided, single submitter. Criteria: ACMG Guidelines, 2015. Collection method: clinical testing. Allele origin: germline. Affected: yes. Not counted in ClinVar's aggregate classification.

CHEO Genetics Diagnostic Laboratory, Children's Hospital of Eastern Ontario
Classification: Likely benign for Breast and/or ovarian cancer. Last evaluated: 2023-06-29. Review status: criteria provided, single submitter. Criteria: ACMG Guidelines, 2015. Collection method: clinical testing. Allele origin: germline. Not counted in ClinVar's aggregate classification.

National Health Laboratory Service, Universitas Academic Hospital and University of the Free State
Classification: Benign for Hereditary breast ovarian cancer syndrome. Last evaluated: 2022-04-19. Review status: criteria provided, single submitter. Criteria: ACMG Guidelines, 2015. Collection method: clinical testing. Allele origin: germline. Affected: yes. Observed: 18 variant alleles. Not counted in ClinVar's aggregate classification.

Genetics Program, Instituto Nacional de Cancer
Classification: Likely benign for Hereditary breast ovarian cancer syndrome. Last evaluated: 2021-11-01. Review status: criteria provided, single submitter. Criteria: ACMG Guidelines, 2015. Collection method: research. Allele origin: germline. Affected: yes. Not counted in ClinVar's aggregate classification.

Genetic Services Laboratory, University of Chicago
Classification: Benign. Last evaluated: 2021-07-23. Review status: criteria provided, single submitter. Criteria: ACMG Guidelines, 2015. Collection method: clinical testing. Allele origin: germline. Affected: no. Not counted in ClinVar's aggregate classification.

Sema4
Classification: Benign for Hereditary cancer-predisposing syndrome. Last evaluated: 2020-09-16. Review status: criteria provided, single submitter. Criteria: Sema4 Curation Guidelines. Collection method: curation. Allele origin: germline. Not counted in ClinVar's aggregate classification.

Mendelics
Classification: Likely benign for Breast-ovarian cancer, familial, susceptibility to, 2. Last evaluated: 2019-05-28. Review status: criteria provided, single submitter. Criteria: Mendelics Assertion Criteria 2017. Collection method: clinical testing. Allele origin: unknown. Not counted in ClinVar's aggregate classification.

Illumina Laboratory Services, Illumina
Classification: Likely benign for Fanconi anemia complementation group D1. Last evaluated: 2018-01-23. Review status: criteria provided, single submitter. Criteria: ICSL Variant Classification Criteria 13 December 2019. Collection method: clinical testing. Allele origin: germline. Not counted in ClinVar's aggregate classification.
Comment: This variant was observed as part of a predisposition screen in an ostensibly healthy population. A literature search was performed for the gene, cDNA change, and amino acid change (where applicable). No publications were found based on this search. Allele frequency data from public databases allowed determination this variant is unlikely to cause disease. Therefore, this variant is classified as likely benign.

Illumina Laboratory Services, Illumina
Classification: Likely benign for Breast-ovarian cancer, familial, susceptibility to, 2. Last evaluated: 2018-01-23. Review status: criteria provided, single submitter. Criteria: ICSL Variant Classification Criteria 13 December 2019. Collection method: clinical testing. Allele origin: germline. Not counted in ClinVar's aggregate classification.
Comment: This variant was observed as part of a predisposition screen in an ostensibly healthy population. A literature search was performed for the gene, cDNA change, and amino acid change (where applicable). Publications were found based on this search. The evidence from the literature, in combination with allele frequency data from public databases where available, was sufficient to determine this variant is unlikely to cause disease. Therefore, this variant is classified as likely benign.

Institute for Biomarker Research, Medical Diagnostic Laboratories, L.L.C.
Classification: Likely benign for Hereditary breast and ovarian cancer syndrome(HBOC). Last evaluated: 2017-02-14. Review status: criteria provided, single submitter. Criteria: ACMG Guidelines, 2015. Collection method: clinical testing. Allele origin: germline. Not counted in ClinVar's aggregate classification.

Laboratory for Molecular Medicine, Mass General Brigham Personalized Medicine
Classification: Likely benign. Last evaluated: 2016-03-28. Review status: criteria provided, single submitter. Criteria: LMM Criteria. Collection method: clinical testing. Allele origin: germline. Not counted in ClinVar's aggregate classification.
Comment: Variant identified in a genome or exome case(s) and assessed due to predicted null impact of the variant or pathogenic assertions in the literature or databases. Disclaimer: This variant has not undergone full assessment. The following are preliminary notes: ExAC: 0.5% (49/10380) African; ClinVar: 6 B/LB, 2 VUS